The following is an entry in ClinVar:

ClinVar aggregate classification (germline): Uncertain significance (1 of 4 stars; one submission).

Submission:

GeneDx
Classification: Uncertain significance. Last evaluated: 2024-01-16. Review status: criteria provided, single submitter. Criteria: GeneDx Variant Classification Process June 2021. Collection method: clinical testing. Allele origin: germline. Affected: yes.
Comment: Not observed at significant frequency in large population cohorts (gnomAD); Has not been previously published as pathogenic or benign to our knowledge; In silico analysis is inconclusive as to whether the variant alters gene splicing. In the absence of RNA/functional studies, the actual effect of this sequence change is unknown.

NM_004370.6(COL12A1):c.-35-3C>T

Gene: COL12A1 (collagen type XII alpha 1 chain; minus strand). Cytogenetic location: 6q14.1.
Variant type: single nucleotide variant.
Coding change: c.-35-3C>T on transcript NM_004370.6 (MANE Select); 3 bases into the intron before 35 bases upstream of the start codon, C replaced by T.
Molecular consequence: intron variant.
Genome position (GRCh38, 1-based): chr6:75,202,830, G>A on the plus strand (C>T on the coding strand, the complement: COL12A1 is on the minus strand). VCF-style: chr6-75202830-G-A. GRCh37 (hg19) VCF-style: chr6-75912546-G-A.
Other names: c.-35-3C>T (NM_001424116.1, NM_080645.3, NM_001424115.1 and 2 more transcripts).
Identifiers: ClinVar variation 3367927 (VCV003367927.1).